The following is an entry in ClinVar:

ClinVar aggregate classification (germline): Conflicting classifications of pathogenicity. Review status: criteria provided, conflicting classifications (1 of 4 stars). 4 submissions from 4 submitters: Pathogenic (1); Likely pathogenic (2); Uncertain significance (1). Last evaluated 2026-02-27.

Conditions:
Fetal anomalies with a likely genetic cause.
Short-rib thoracic dysplasia 6 with or without polydactyly (SRTD6). Also called: POLYDACTYLY WITH NEONATAL CHONDRODYSTROPHY, TYPE II; Majewski Syndrome; SHORT-RIB THORACIC DYSPLASIA 6 WITH POLYDACTYLY; SHORT-RIB THORACIC DYSPLASIA 6 WITHOUT POLYDACTYLY; SHORT RIB-POLYDACTYLY SYNDROME, TYPE IIA. Identifiers: MedGen C0024507, MONDO:0009894, OMIM 263520.
NEK1-related disorder. Also called: NEK1-related condition.

Allele frequency attached by ClinVar (database versions not stated): gnomAD 0.00001; TOPMed 0.00001; gnomAD exomes 0.00003 and 0.00005.
gnomAD v4.1: 63 of 1,518,058 alleles (0.0042%); highest among the groups gnomAD compares: Non-Finnish European, 0.0055%; no homozygotes.

Submissions (18):

Genetics Laboratory, Great Ormond Street Hospital NHS Foundation Trust, North Thames Genomic Laboratory Hub
Classification: Pathogenic for Fetal anomalies with a likely genetic cause. Last evaluated: 2026-02-27. Review status: criteria provided, single submitter. Criteria: ACGS Best Practice Guidelines for Variant Classification in Rare Disease 2024 v1.2. Collection method: clinical testing. Allele origin: germline. Affected: yes.
Comment: PM2_moderate, PVS1_very-strong

PreventionGenetics, part of Exact Sciences
Classification: Likely pathogenic for NEK1-related condition. Last evaluated: 2025-04-09. Review status: criteria provided, single submitter. Criteria: ACMG Guidelines, 2015. Collection method: clinical testing. Allele origin: germline.
Comment: The NEK1 c.868+1G>C variant is predicted to disrupt the GT donor site and interfere with normal splicing. This variant has been reported in an individual with amyotrophic lateral sclerosis (ALS, referred to as c.878+1C>G in Supplementary Figure 3, Kenna et al. 2016. PubMed ID: 27455347) and in two individuals with motor neuron disease (Supplemental Material 2, Leighton et al. 2024. PubMed ID: 38852112). This variant is reported in 0.0094% of alleles in individuals of East Asian descent in gnomAD. Variants that disrupt the consensus splice donor site in NEK1 are expected to be pathogenic. This variant is interpreted as likely pathogenic.

Labcorp Genetics (formerly Invitae), Labcorp
Classification: Likely pathogenic for Short-rib thoracic dysplasia 6 with or without polydactyly. Last evaluated: 2022-11-08. Review status: criteria provided, single submitter. Criteria: Invitae Variant Classification Sherloc (09022015). Collection method: clinical testing. Allele origin: germline.
Comment: This sequence change affects a donor splice site in intron 10 of the NEK1 gene. It is expected to disrupt RNA splicing. Variants that disrupt the donor or acceptor splice site typically lead to a loss of protein function (PMID: 16199547), and loss-of-function variants in NEK1 are known to be pathogenic (PMID: 22499340, 29068549). This variant is present in population databases (no rsID available, gnomAD 0.01%). In summary, the currently available evidence indicates that the variant is pathogenic, but additional data are needed to prove that conclusively. Therefore, this variant has been classified as Likely Pathogenic. Algorithms developed to predict the effect of sequence changes on RNA splicing suggest that this variant may disrupt the consensus splice site. ClinVar contains an entry for this variant (Variation ID: 1316362). This variant has not been reported in the literature in individuals affected with NEK1-related conditions.

GeneDx
Classification: Uncertain significance. Last evaluated: 2019-09-26. Review status: criteria provided, single submitter. Criteria: GeneDx Variant Classification Process June 2021. Collection method: clinical testing. Allele origin: germline. Affected: yes.
Comment: Canonical splice site variant in a gene for which loss-of-function is a known mechanism of disease; This variant is associated with the following publications: (PMID: 27455347, 26546047)

Dr. Peter K. Rogan Lab, Western University
No classification provided (evidence only). Condition: Ovarian serous cystadenocarcinoma. Review status: no classification provided. Collection method: in vitro. Allele origin: not applicable. Functional consequence: retained intron. Not counted in ClinVar's aggregate classification.

Dr. Peter K. Rogan Lab, Western University
No classification provided (evidence only). Condition: Ovarian serous cystadenocarcinoma. Review status: no classification provided. Collection method: in vitro. Allele origin: not applicable. Functional consequence: retained intron. Not counted in ClinVar's aggregate classification.

Dr. Peter K. Rogan Lab, Western University
No classification provided (evidence only). Condition: Ovarian serous cystadenocarcinoma. Review status: no classification provided. Collection method: in vitro. Allele origin: not applicable. Functional consequence: retained intron. Not counted in ClinVar's aggregate classification.

Dr. Peter K. Rogan Lab, Western University
No classification provided (evidence only). Condition: Ovarian serous cystadenocarcinoma. Review status: no classification provided. Collection method: in vitro. Allele origin: not applicable. Functional consequence: retained intron. Not counted in ClinVar's aggregate classification.

Dr. Peter K. Rogan Lab, Western University
No classification provided (evidence only). Condition: Ovarian serous cystadenocarcinoma. Review status: no classification provided. Collection method: in vitro. Allele origin: not applicable. Functional consequence: retained intron. Not counted in ClinVar's aggregate classification.

Dr. Peter K. Rogan Lab, Western University
No classification provided (evidence only). Condition: Ovarian serous cystadenocarcinoma. Review status: no classification provided. Collection method: in vitro. Allele origin: not applicable. Functional consequence: retained intron. Not counted in ClinVar's aggregate classification.

Dr. Peter K. Rogan Lab, Western University
No classification provided (evidence only). Condition: Ovarian serous cystadenocarcinoma. Review status: no classification provided. Collection method: in vitro. Allele origin: not applicable. Functional consequence: retained intron. Not counted in ClinVar's aggregate classification.

Dr. Peter K. Rogan Lab, Western University
No classification provided (evidence only). Condition: Ovarian serous cystadenocarcinoma. Review status: no classification provided. Collection method: in vitro. Allele origin: not applicable. Functional consequence: retained intron. Not counted in ClinVar's aggregate classification.

Dr. Peter K. Rogan Lab, Western University
No classification provided (evidence only). Condition: Ovarian serous cystadenocarcinoma. Review status: no classification provided. Collection method: in vitro. Allele origin: not applicable. Functional consequence: retained intron. Not counted in ClinVar's aggregate classification.

Dr. Peter K. Rogan Lab, Western University
No classification provided (evidence only). Condition: Ovarian serous cystadenocarcinoma. Review status: no classification provided. Collection method: in vitro. Allele origin: not applicable. Functional consequence: retained intron. Not counted in ClinVar's aggregate classification.

Dr. Peter K. Rogan Lab, Western University
No classification provided (evidence only). Condition: Ovarian serous cystadenocarcinoma. Review status: no classification provided. Collection method: in vitro. Allele origin: not applicable. Functional consequence: retained intron. Not counted in ClinVar's aggregate classification.

Dr. Peter K. Rogan Lab, Western University
No classification provided (evidence only). Condition: Ovarian serous cystadenocarcinoma. Review status: no classification provided. Collection method: in vitro. Allele origin: not applicable. Functional consequence: retained intron. Not counted in ClinVar's aggregate classification.

Dr. Peter K. Rogan Lab, Western University
No classification provided (evidence only). Condition: Ovarian serous cystadenocarcinoma. Review status: no classification provided. Collection method: in vitro. Allele origin: not applicable. Functional consequence: retained intron. Not counted in ClinVar's aggregate classification.

Dr. Peter K. Rogan Lab, Western University
No classification provided (evidence only). Condition: Ovarian serous cystadenocarcinoma. Review status: no classification provided. Collection method: in vitro. Allele origin: not applicable. Functional consequence: retained intron. Not counted in ClinVar's aggregate classification.

Literature cited by the submitters: PubMed 16199547 (cited by Labcorp Genetics (formerly Invitae), Labcorp); PubMed 22499340 (cited by Labcorp Genetics (formerly Invitae), Labcorp); PubMed 29068549 (cited by Labcorp Genetics (formerly Invitae), Labcorp).

NM_001199397.3(NEK1):c.868+1G>C

Gene: NEK1 (NIMA related kinase 1; minus strand). Cytogenetic location: 4q33.
Variant type: single nucleotide variant.
Coding change: c.868+1G>C on transcript NM_001199397.3 (MANE Select); the canonical splice donor site of the intron after coding-DNA position 868, G replaced by C.
Molecular consequence: splice donor variant.
Genome position (GRCh38, 1-based): chr4:169,580,841, C>G on the plus strand (G>C on the coding strand, the complement: NEK1 is on the minus strand). VCF-style: chr4-169580841-C-G. GRCh37 (hg19) VCF-style: chr4-170501992-C-G.
Other names: c.868+1G>C (NM_012224.2, NM_001374421.1, NM_001374420.1 and 8 more transcripts).
Identifiers: ClinVar variation 1316362 (VCV001316362.13), dbSNP rs897732893, ClinGen allele CA109918098.